The following is an entry in ClinVar:

NM_001127208.3(TET2):c.5594C>T (p.Ala1865Val)

Genes: TET2 (tet methylcytosine dioxygenase 2; plus strand), TET2-AS1 (TET2 antisense RNA 1; minus strand). Cytogenetic location: 4q24.
Variant type: single nucleotide variant.
Coding change: c.5594C>T on transcript NM_001127208.3 (MANE Select); coding-DNA position 5594, C replaced by T.
Protein change: p.Ala1865Val; replaces alanine 1865 with valine.
Molecular consequence: missense variant.
Genome position (GRCh38, 1-based): chr4:105,276,104, C>T. VCF-style: chr4-105276104-C-T. GRCh37 (hg19) VCF-style: chr4-106197261-C-T.
Other names: short protein forms A1865V.
Identifiers: ClinVar variation 2103907 (VCV002103907.4), dbSNP rs772726590, ClinGen allele CA357795787.

ClinVar aggregate classification (germline): Uncertain significance (1 of 4 stars; one submission).

Submission:

Labcorp Genetics (formerly Invitae), Labcorp
Classification: Uncertain significance. Last evaluated: 2022-02-27. Review status: criteria provided, single submitter. Criteria: Invitae Variant Classification Sherloc (09022015). Collection method: clinical testing. Allele origin: germline.
Comment: In summary, the available evidence is currently insufficient to determine the role of this variant in disease. Therefore, it has been classified as a Variant of Uncertain Significance. Algorithms developed to predict the effect of missense changes on protein structure and function are either unavailable or do not agree on the potential impact of this missense change (SIFT: "Deleterious"; PolyPhen-2: "Probably Damaging"; Align-GVGD: "Class C0"). This variant has not been reported in the literature in individuals affected with TET2-related conditions. This variant is not present in population databases (gnomAD no frequency). This sequence change replaces alanine, which is neutral and non-polar, with valine, which is neutral and non-polar, at codon 1865 of the TET2 protein (p.Ala1865Val).